The following is an entry in ClinVar:

NM_004544.4(NDUFA10):c.1A>C (p.Met1Leu)

Gene: NDUFA10 (NADH:ubiquinone oxidoreductase subunit A10; minus strand). Cytogenetic location: 2q37.3.
Variant type: single nucleotide variant.
Coding change: c.1A>C on transcript NM_004544.4 (MANE Select); coding-DNA position 1, A replaced by C.
Protein change: p.Met1Leu; changes the start codon (methionine 1).
Molecular consequence: missense variant, initiator codon variant. On other transcripts: non-coding transcript variant (4).
Genome position (GRCh38, 1-based): chr2:240,025,301, T>G on the plus strand (A>C on the coding strand, the complement: NDUFA10 is on the minus strand). VCF-style: chr2-240025301-T-G. GRCh37 (hg19) VCF-style: chr2-240964718-T-G.
Other names: c.1A>C, p.Met1Leu (NM_001322019.2, NM_001322020.2, NM_001410987.1); short protein forms M1L.
Identifiers: ClinVar variation 4881981 (VCV004881981.2).

ClinVar aggregate classification (germline): Uncertain significance (1 of 4 stars; one submission).

Conditions:
Mitochondrial complex I deficiency, nuclear type 22. Also called: Mitochondrial complex 1 deficiency, nuclear type 22. Identifiers: MedGen C4748796, MONDO:0032626, OMIM 618243.

Submission:

Dasa
Classification: Uncertain significance for Mitochondrial complex I deficiency, nuclear type 22. Last evaluated: 2025-08-26. Review status: criteria provided, single submitter. Criteria: DASA Assertion Criteria. Collection method: clinical testing. Allele origin: germline.
Comment: NM_004544.4(NDUFA10):c.1A>C (p.Met1?) is a start-loss variant predicted to alter the translation initiation codon and impair normal protein translation. The affected residue or protein region has prior evidence supporting clinical relevance. This variant is absent from population databases. The currently available literature and clinical evidence are not sufficient to establish a definitive association between this variant and the reported condition. Therefore, this variant is classified as a variant of uncertain significance.